The following is an entry in ClinVar:

ClinVar aggregate classification (germline): Uncertain significance (1 of 4 stars; one submission).

Conditions:
Dilated cardiomyopathy 1KK (CMD1KK). Identifiers: Orphanet 154, Orphanet 75249, MedGen C3714995, MONDO:0014100, OMIM 615248.

Allele frequency attached by ClinVar (database versions not stated): gnomAD 0.00001.
gnomAD v4.1: 1 of 1,614,066 alleles (0.000062%); highest among the groups gnomAD compares: East Asian, 0.0022%; no homozygotes.

Submission:

Labcorp Genetics (formerly Invitae), Labcorp
Classification: Uncertain significance for Dilated cardiomyopathy 1KK. Last evaluated: 2022-06-14. Review status: criteria provided, single submitter. Criteria: Invitae Variant Classification Sherloc (09022015). Collection method: clinical testing. Allele origin: germline.
Comment: In summary, the available evidence is currently insufficient to determine the role of this variant in disease. Therefore, it has been classified as a Variant of Uncertain Significance. Algorithms developed to predict the effect of missense changes on protein structure and function output the following: SIFT: "Tolerated"; PolyPhen-2: "Benign"; Align-GVGD: "Class C0". The serine amino acid residue is found in multiple mammalian species, which suggests that this missense change does not adversely affect protein function. This variant has not been reported in the literature in individuals affected with MYPN-related conditions. This variant is not present in population databases (gnomAD no frequency). This sequence change replaces alanine, which is neutral and non-polar, with serine, which is neutral and polar, at codon 1117 of the MYPN protein (p.Ala1117Ser).

NM_032578.4(MYPN):c.3349G>T (p.Ala1117Ser)

Gene: MYPN (myopalladin; plus strand). Cytogenetic location: 10q21.3.
Variant type: single nucleotide variant.
Coding change: c.3349G>T on transcript NM_032578.4 (MANE Select); coding-DNA position 3349, G replaced by T.
Protein change: p.Ala1117Ser; replaces alanine 1117 with serine.
Molecular consequence: missense variant. On other transcripts: non-coding transcript variant (2).
Genome position (GRCh38, 1-based): chr10:68,199,431, G>T. VCF-style: chr10-68199431-G-T. GRCh37 (hg19) VCF-style: chr10-69959188-G-T.
Other names: c.3349G>T, p.Ala1117Ser (NM_001256267.2); c.2467G>T, p.Ala823Ser (NM_001256268.2); short protein forms A823S, A1117S.
Identifiers: ClinVar variation 2006469 (VCV002006469.4), dbSNP rs2043670582, ClinGen allele CA376859068.